The following is an entry in ClinVar:

NM_016532.4(INPP5K):c.1093C>T (p.Leu365=)

Gene: INPP5K (inositol polyphosphate-5-phosphatase K; minus strand). Cytogenetic location: 17p13.3.
Variant type: single nucleotide variant.
Coding change: c.1093C>T on transcript NM_016532.4 (MANE Select); coding-DNA position 1093, C replaced by T.
Protein change: p.Leu365=; no amino-acid change (leucine 365 retained).
Molecular consequence: synonymous variant.
Genome position (GRCh38, 1-based): chr17:1,496,674, G>A on the plus strand (C>T on the coding strand, the complement: INPP5K is on the minus strand). VCF-style: chr17-1496674-G-A. GRCh37 (hg19) VCF-style: chr17-1399968-G-A.
Other names: c.865C>T, p.Leu289= (NM_001135642.2, NM_130766.3).
Identifiers: ClinVar variation 4988382 (VCV004988382.1).

ClinVar aggregate classification (germline): Likely benign (1 of 4 stars; one submission).

Conditions:
INPP5K-related disorder. Also called: INPP5K-related condition.

Submission:

PreventionGenetics, part of Exact Sciences
Classification: Likely benign for INPP5K-related condition. Last evaluated: 2025-12-09. Review status: criteria provided, single submitter. Criteria: ACMG Guidelines, 2015. Collection method: clinical testing. Allele origin: germline.
Comment: This variant is classified as likely benign based on ACMG/AMP sequence variant interpretation guidelines (Richards et al. 2015 PMID: 25741868, with internal and published modifications).